The following is an entry in ClinVar:

ClinVar aggregate classification (germline): Uncertain significance. Review status: criteria provided, multiple submitters, no conflicts (2 of 4 stars). 2 submissions from 2 submitters: Uncertain significance (2). Last evaluated 2021-01-18.

Conditions:
Familial cancer of breast. Also called: BREAST CANCER, FAMILIAL; Hereditary breast cancer; hereditary breast carcinoma. Identifiers: Orphanet 227535, MedGen C0346153, MONDO:0016419, OMIM 114480. Disease mechanism: loss of function.

Submissions (2):

GeneDx
Classification: Uncertain significance. Last evaluated: 2021-01-18. Review status: criteria provided, single submitter. Criteria: GeneDx Variant Classification Process June 2021. Collection method: clinical testing. Allele origin: germline. Affected: yes.
Comment: Not observed in large population cohorts (Lek 2016); In silico analysis supports that this missense variant has a deleterious effect on protein structure/function; Has not been previously published as pathogenic or benign to our knowledge

Labcorp Genetics (formerly Invitae), Labcorp
Classification: Uncertain significance for Familial cancer of breast. Last evaluated: 2020-01-16. Review status: criteria provided, single submitter. Criteria: Invitae Variant Classification Sherloc (09022015). Collection method: clinical testing. Allele origin: germline.
Comment: In summary, the available evidence is currently insufficient to determine the role of this variant in disease. Therefore, it has been classified as a Variant of Uncertain Significance. Algorithms developed to predict the effect of missense changes on protein structure and function are either unavailable or do not agree on the potential impact of this missense change (SIFT: "Deleterious"; PolyPhen-2: "Probably Damaging"; Align-GVGD: "Class C0"). This variant has not been reported in the literature in individuals with CHEK2-related conditions. This variant is not present in population databases (ExAC no frequency). This sequence change replaces isoleucine with threonine at codon 251 of the CHEK2 protein (p.Ile251Thr). The isoleucine residue is highly conserved and there is a moderate physicochemical difference between isoleucine and threonine.

NM_007194.4(CHEK2):c.752T>C (p.Ile251Thr)

Gene: CHEK2 (checkpoint kinase 2; minus strand). Cytogenetic location: 22q12.1.
Variant type: single nucleotide variant.
Coding change: c.752T>C on transcript NM_007194.4 (MANE Select); coding-DNA position 752, T replaced by C.
Protein change: p.Ile251Thr; replaces isoleucine 251 with threonine.
Molecular consequence: missense variant.
Genome position (GRCh38, 1-based): chr22:28,711,949, A>G on the plus strand (T>C on the coding strand, the complement: CHEK2 is on the minus strand). VCF-style: chr22-28711949-A-G. GRCh37 (hg19) VCF-style: chr22-29107937-A-G.
Other names: c.881T>C, p.Ile294Thr (NM_001005735.3); c.89T>C, p.Ile30Thr (NM_001257387.3); c.551T>C, p.Ile184Thr (NM_001349956.3); c.752T>C, p.Ile251Thr (NM_145862.3); short protein forms I184T, I294T, I30T, I251T.
Identifiers: ClinVar variation 849179 (VCV000849179.12), dbSNP rs2053410234, ClinGen allele CA411103214.